The following is an entry in ClinVar:

NM_000540.3(RYR1):c.14173-9C>G

Gene: RYR1 (ryanodine receptor 1; plus strand). Cytogenetic location: 19q13.2.
Variant type: single nucleotide variant.
Coding change: c.14173-9C>G on transcript NM_000540.3 (MANE Select); 9 bases into the intron before coding-DNA position 14173, C replaced by G.
Molecular consequence: intron variant.
Genome position (GRCh38, 1-based): chr19:38,577,909, C>G. VCF-style: chr19-38577909-C-G. GRCh37 (hg19) VCF-style: chr19-39068549-C-G.
Other names: c.14158-9C>G (NM_001042723.2).
Identifiers: ClinVar variation 3075145 (VCV003075145.2), dbSNP rs2514738228, ClinGen allele CA2584910612.
Genomic context (GRCh38, chr19:38,577,909, plus strand): 5'-CCCCTTGCAGGCCACGACACACACCCACACTCCAGCTGTGTCTACACAGCCTGATGCTCT[C>G]TTGTGCAGGTCCTGGACAAACATGGGGACATCTACGGGCGGGAGCGGATTGCTGAGCTAC-3'

ClinVar aggregate classification (germline): Conflicting classifications of pathogenicity. Review status: criteria provided, conflicting classifications (1 of 4 stars). 2 submissions from 2 submitters: Uncertain significance (1); Likely benign (1). Last evaluated 2025-05-04.

Conditions:
Malignant hyperthermia, susceptibility to, 1 (MHS1). Also called: Anesthesia related hyperthermia; Malignant hyperpyrexia; Fulminating hyperpyrexia; Pharmacogenic myopathy; RYR1-Related Malignant Hyperthermia Susceptibility; Malignant hyperthermia suceptibility 1. Identifiers: Orphanet 423, MedGen C2930980, MONDO:0007783, OMIM 145600.
RYR1-related disorder. Also called: RYR1-related condition; RYR1-related disorders. Identifiers: MedGen CN239331.

Allele frequency attached by ClinVar (database versions not stated): gnomAD exomes below 0.00001.

Submissions (2):

Labcorp Genetics (formerly Invitae), Labcorp
Classification: Likely benign for RYR1-related disorder. Last evaluated: 2025-05-04. Review status: criteria provided, single submitter. Criteria: Invitae Variant Classification Sherloc (09022015). Collection method: clinical testing. Allele origin: germline.

All of Us Research Program, National Institutes of Health
Classification: Uncertain significance for Malignant hyperthermia, susceptibility to, 1. Last evaluated: 2023-12-18. Review status: criteria provided, single submitter. Criteria: ACMG Guidelines, 2015. Collection method: clinical testing. Allele origin: germline. Inheritance: Autosomal dominant inheritance. Observed: 1 variant allele, 1 heterozygote.
Comment: This variant causes a C to G nucleotide substitution at the -9 position of intron 97 of the RYR1 gene. To our knowledge, functional studies have not been reported for this variant. This variant has not been reported in individuals affected with RYR1-related disorders in the literature. This variant has not been identified in the general population by the Genome Aggregation Database (gnomAD). The available evidence is insufficient to determine the role of this variant in disease conclusively. Therefore, this variant is classified as a Variant of Uncertain Significance.

This study involves interpretation of variants in research participants for the purpose of population health screening. Participant phenotype was not available at the time of variant classification. Additional details can be found in publication PMID: 35346344, PMCID: PMC8962531